The following is an entry in ClinVar:

ClinVar aggregate classification (germline): Uncertain significance (1 of 4 stars; one submission).

Submission:

GeneDx
Classification: Uncertain significance. Last evaluated: 2025-04-13. Review status: criteria provided, single submitter. Criteria: GeneDx Variant Classification Process June 2021. Collection method: clinical testing. Allele origin: germline. Affected: yes.
Comment: Not observed at significant frequency in large population cohorts (gnomAD); In silico analysis supports that this missense variant has a deleterious effect on protein structure/function; Has not been previously published as pathogenic or benign to our knowledge

NM_001291415.2(KDM6A):c.3559T>G (p.Tyr1187Asp)

Gene: KDM6A (lysine demethylase 6A; plus strand). Cytogenetic location: Xp11.3.
Variant type: single nucleotide variant.
Coding change: c.3559T>G on transcript NM_001291415.2 (MANE Select); coding-DNA position 3559, T replaced by G.
Protein change: p.Tyr1187Asp; replaces tyrosine 1187 with aspartic acid.
Molecular consequence: missense variant. On other transcripts: non-coding transcript variant (1).
Genome position (GRCh38, 1-based): chrX:45,083,578, T>G. VCF-style: chrX-45083578-T-G. GRCh37 (hg19) VCF-style: chrX-44942823-T-G.
Other names: c.3424T>G, p.Tyr1142Asp (NM_001291416.2, NM_001419811.1); c.3268T>G, p.Tyr1090Asp (NM_001291417.2); c.3166T>G, p.Tyr1056Asp (NM_001291418.2, NM_001419815.1); c.2515T>G, p.Tyr839Asp (NM_001291421.2); c.3301T>G, p.Tyr1101Asp (NM_001410742.1, NM_001419814.1); c.3559T>G, p.Tyr1187Asp (NM_001419809.1); c.3457T>G, p.Tyr1153Asp (NM_001419810.1, NM_001419813.1); c.3403T>G, p.Tyr1135Asp (NM_001419812.1, NM_021140.4); short protein forms Y1056D, Y1090D, Y1101D, Y1135D, Y1142D, Y1153D, Y1187D, Y839D.
Identifiers: ClinVar variation 4282136 (VCV004282136.1).
Genomic context (GRCh38, chrX:45,083,578, plus strand): 5'-GCAGGAAATCTTCTAAGCCATGTTGGTCATACCATATTGGGCATGAACACAGTTCAACTA[T>G]ACATGAAAGTTCCAGGGAGCAGAACACCAGGTAATTTGTATGAACTAACATATCTTGTTA-3'
Protein context (NP_001278344.1, residues 1177-1197): TILGMNTVQL[Tyr1187Asp]MKVPGSRTPG